The following is an entry in ClinVar:

NM_001038603.3(MARVELD2):c.1208_1211del (p.Arg403fs)

Gene: MARVELD2 (MARVEL domain containing 2; plus strand). Cytogenetic location: 5q13.2.
Variant type: Microsatellite.
Coding change: c.1208_1211del on transcript NM_001038603.3 (MANE Select); coding-DNA positions 1208 to 1211, 4 bases deleted (GACA; older notation c.1208_1211delGACA).
Protein change: p.Arg403fs; shifts the reading frame from arginine 403.
Molecular consequence: frameshift variant.
Genome position (GRCh38, 1-based): chr5:69,432,552-69,432,555, GACA deleted; deleting any 4 consecutive bases within chr5:69,432,548-69,432,555 gives the same sequence; the c. name uses the placement nearest the transcript's 3' end. VCF-style (leftmost placement, unchanged base first): chr5-69432547-TGACA-T. GRCh37 (hg19) VCF-style: chr5-68728374-TGACA-T.
Other names: c.1172_1175del, p.Arg391fs (NM_001244734.2); c.1204_1207del (NM_001038603.3); short protein forms R391fs, R403fs.
Identifiers: ClinVar variation 1185092 (VCV001185092.3), dbSNP rs772030670, ClinGen allele CA3294209.

ClinVar aggregate classification (germline): Pathogenic. Review status: criteria provided, single submitter (1 of 4 stars). 2 submissions from 2 submitters: Pathogenic (1). 1 of the submissions does not count toward it.

Conditions:
Autosomal recessive nonsyndromic hearing loss 49. Also called: Deafness, neurosensory, autosomal recessive 49. Identifiers: Orphanet 90636, MedGen C1857811, MONDO:0012420, OMIM 610153.

Submissions (2):

Juno Genomics, Hangzhou Juno Genomics, Inc
Classification: Pathogenic for Autosomal recessive nonsyndromic hearing loss 49. Review status: criteria provided, single submitter. Criteria: ACMG Guidelines, 2015. Collection method: clinical testing. Allele origin: germline.
Comment: Absent from controls (or at extremely low frequency if recessive) in Genome Aggregation Database.;Null variant in a gene where loss of function (LOF) is a known mechanism of disease.;For recessive disorders, detected in trans with a pathogenic variant.

WangQJ Lab, Chinese People's Liberation Army General Hospital
Classification: Likely pathogenic for Autosomal recessive nonsyndromic hearing loss 49. Last evaluated: 2021-07-01. Review status: no assertion criteria provided. Collection method: clinical testing. Allele origin: inherited. Affected: yes. Not counted in ClinVar's aggregate classification.